The following is an entry in ClinVar:

ClinVar aggregate classification (germline): Uncertain significance (1 of 4 stars; one submission).

Submission:

Ambry Genetics
Classification: Uncertain significance. Last evaluated: 2024-01-11. Review status: criteria provided, single submitter. Criteria: Ambry Variant Classification Scheme 2023. Collection method: clinical testing. Allele origin: germline.
Comment: The p.K12N variant (also known as c.36G>C), located in coding exon 2 of the RAD54L gene, results from a G to C substitution at nucleotide position 36. The lysine at codon 12 is replaced by asparagine, an amino acid with similar properties. This amino acid position is conserved. In addition, this alteration is predicted to be tolerated by in silico analysis. Since supporting evidence is limited at this time, the clinical significance of this alteration remains unclear.

NM_003579.4(RAD54L):c.36G>C (p.Lys12Asn)

Gene: RAD54L (RAD54 like; plus strand). Cytogenetic location: 1p34.1.
Variant type: single nucleotide variant.
Coding change: c.36G>C on transcript NM_003579.4 (MANE Select); coding-DNA position 36, G replaced by C.
Protein change: p.Lys12Asn; replaces lysine 12 with asparagine.
Molecular consequence: missense variant. On other transcripts: 5 prime UTR variant (1).
Genome position (GRCh38, 1-based): chr1:46,248,544, G>C. VCF-style: chr1-46248544-G-C. GRCh37 (hg19) VCF-style: chr1-46714216-G-C.
Other names: c.36G>C, p.Lys12Asn (NM_001142548.2); c.-505G>C (NM_001370766.1); short protein forms K12N.
Identifiers: ClinVar variation 3223439 (VCV003223439.1), dbSNP rs2525626643, ClinGen allele CA340174120.